The following is an entry in ClinVar:

NM_001080421.3(UNC13A):c.1393-18TGTC[2]

Gene: UNC13A (unc-13 homolog A; minus strand). Cytogenetic location: 19p13.11.
Variant type: Microsatellite.
Coding change: c.1393-18TGTC[2] on transcript NM_001080421.3 (MANE Select); two copies in a row of the 4-base unit TGTC starting at c.1393-18; the reference has three copies in a row; one copy, 4 bases deleted.
Molecular consequence: intron variant.
Genome position (GRCh38, 1-based): chr19:17,652,684-17,652,687, GACA deleted on the plus strand (TGTC on the coding strand, the reverse complement: UNC13A is on the minus strand); deleting any 4 consecutive bases within chr19:17,652,684-17,652,697 gives the same sequence; the position shown is the placement nearest the transcript's 3' end. VCF-style (leftmost placement, unchanged base first): chr19-17652683-GGACA-G. GRCh37 (hg19) VCF-style: chr19-17763492-GGACA-G.
Other names: c.1393-18TGTC[2] (NM_001387022.1, NM_001387023.1, NM_001387021.1).
Identifiers: ClinVar variation 4980122 (VCV004980122.1).
Genomic context (GRCh38, chr19:17,652,683, plus strand): 5'-TTACTTACCCGCCTTTGAACCATAGGGATTTAGACATCTCTCCTTCTCCCCGGGCCTGCA[GGACA>G]GACAGACAGATATGGTCAGTGTGGCTGTCCCTCCCCTCCCCAGAGCAGGCTCCACACCCA-3'

ClinVar aggregate classification (germline): Likely benign (1 of 4 stars; one submission).

Conditions:
UNC13A-related disorder. Also called: UNC13A-related condition.

Submission:

PreventionGenetics, part of Exact Sciences
Classification: Likely benign for UNC13A-related condition. Last evaluated: 2024-12-10. Review status: criteria provided, single submitter. Criteria: ACMG Guidelines, 2015. Collection method: clinical testing. Allele origin: germline.
Comment: This variant is classified as likely benign based on ACMG/AMP sequence variant interpretation guidelines (Richards et al. 2015 PMID: 25741868, with internal and published modifications).